The following is an entry in ClinVar:

ClinVar aggregate classification (germline): Likely benign. Review status: criteria provided, multiple submitters, no conflicts (2 of 4 stars). 4 submissions from 4 submitters: Likely benign (3). 1 of the submissions does not count toward it. Last evaluated 2025-12-15.

Conditions:
BICD2-related disorder. Also called: BICD2-related condition.
Inborn genetic diseases. Identifiers: MedGen C0950123, MeSH D030342.
Autosomal dominant childhood-onset proximal spinal muscular atrophy with contractures (SMALED2A). Also called: SPINAL MUSCULAR ATROPHY, LOWER EXTREMITY-PREDOMINANT, 2A, CHILDHOOD ONSET, AUTOSOMAL DOMINANT; Spinal muscular atrophy, lower extremity-predominant, 2A, autosomal dominant. Identifiers: Orphanet 363447, Orphanet 363454, MedGen C4747715, MONDO:0014121, OMIM 615290.

Allele frequency attached by ClinVar (database versions not stated): gnomAD 0.00002 and 0.00003; gnomAD exomes 0.00002 and 0.00006; TOPMed 0.00003; ExAC 0.00006; 1000 Genomes Project 30x 0.00016; 1000 Genomes Project 0.00020.
gnomAD v4.1: 33 of 1,613,526 alleles (0.002%); highest among the groups gnomAD compares: Admixed American, 0.027%; no homozygotes.

Submissions (4):

Labcorp Genetics (formerly Invitae), Labcorp
Classification: Likely benign for Autosomal dominant childhood-onset proximal spinal muscular atrophy with contractures. Last evaluated: 2025-12-15. Review status: criteria provided, single submitter. Criteria: Invitae Variant Classification Sherloc (09022015). Collection method: clinical testing. Allele origin: germline.

Ambry Genetics
Classification: Likely benign for Inborn genetic diseases. Last evaluated: 2019-07-11. Review status: criteria provided, single submitter. Criteria: Ambry Variant Classification Scheme 2023. Collection method: clinical testing. Allele origin: germline.

GeneDx
Classification: Likely benign. Last evaluated: 2016-05-19. Review status: criteria provided, single submitter. Criteria: GeneDx Variant Classification (06012015). Collection method: clinical testing. Allele origin: germline. Affected: yes.
Comment: This variant is considered likely benign or benign based on one or more of the following criteria: it is a conservative change, it occurs at a poorly conserved position in the protein, it is predicted to be benign by multiple in silico algorithms, and/or has population frequency not consistent with disease.

PreventionGenetics, part of Exact Sciences
Classification: Likely benign for BICD2-related condition. Last evaluated: 2019-07-24. Review status: no assertion criteria provided. Collection method: clinical testing. Allele origin: germline. Not counted in ClinVar's aggregate classification.
Comment: This variant is classified as likely benign based on ACMG/AMP sequence variant interpretation guidelines (Richards et al. 2015 PMID: 25741868, with internal and published modifications).

NM_001003800.2(BICD2):c.1128G>A (p.Thr376=)

Gene: BICD2 (BICD cargo adaptor 2; minus strand). Cytogenetic location: 9q22.31.
Variant type: single nucleotide variant.
Coding change: c.1128G>A on transcript NM_001003800.2 (MANE Select); coding-DNA position 1128, G replaced by A.
Protein change: p.Thr376=; no amino-acid change (threonine 376 retained).
Molecular consequence: synonymous variant.
Genome position (GRCh38, 1-based): chr9:92,719,517, C>T on the plus strand (G>A on the coding strand, the complement: BICD2 is on the minus strand). VCF-style: chr9-92719517-C-T. GRCh37 (hg19) VCF-style: chr9-95481799-C-T.
Other names: c.1128G>A, p.Thr376= (NM_015250.4).
Identifiers: ClinVar variation 385928 (VCV000385928.14), dbSNP rs184715042, ClinGen allele CA5126627.